The following is an entry in ClinVar:

NM_001347721.2(DYRK1A):c.1072-309A>T

Gene: DYRK1A (dual specificity tyrosine phosphorylation regulated kinase 1A; plus strand). Cytogenetic location: 21q22.13.
Variant type: single nucleotide variant.
Coding change: c.1072-309A>T on transcript NM_001347721.2 (MANE Select); 309 bases into the intron before coding-DNA position 1072, A replaced by T.
Molecular consequence: intron variant.
Genome position (GRCh38, 1-based): chr21:37,495,809, A>T. VCF-style: chr21-37495809-A-T. GRCh37 (hg19) VCF-style: chr21-38868111-A-T.
Other names: c.1099-309A>T (NM_001396.5, NM_101395.2, NM_130438.2); c.1072-309A>T (NM_001347722.2, NM_130436.2); c.985-309A>T (NM_001347723.2).
Identifiers: ClinVar variation 668911 (VCV000668911.1), dbSNP rs8134408, ClinGen allele CA15991458.

ClinVar aggregate classification (germline): Benign (1 of 4 stars; one submission).

Allele frequency attached by ClinVar (database versions not stated): TOPMed 0.27527; gnomAD 0.27796 and 0.28245; 1000 Genomes Project 30x 0.31918; 1000 Genomes Project 0.32149.
gnomAD v4.1: 42,913 of 151,846 alleles (28%); highest among the groups gnomAD compares: South Asian, 40%; 6,269 homozygotes.

Submission:

GeneDx
Classification: Benign. Last evaluated: 2018-06-19. Review status: criteria provided, single submitter. Criteria: GeneDx Variant Classification (06012015). Collection method: clinical testing. Allele origin: germline. Affected: yes.
Comment: This variant is considered likely benign or benign based on one or more of the following criteria: it is a conservative change, it occurs at a poorly conserved position in the protein, it is predicted to be benign by multiple in silico algorithms, and/or has population frequency not consistent with disease.